The following is an entry in ClinVar:

NM_005045.4(RELN):c.10123G>A (p.Ala3375Thr)

Genes: SLC26A5-AS1 (SLC26A5 antisense RNA 1; plus strand), RELN (reelin; minus strand). Cytogenetic location: 7q22.1.
Variant type: single nucleotide variant.
Coding change: c.10123G>A on transcript NM_005045.4 (MANE Select); coding-DNA position 10123, G replaced by A.
Protein change: p.Ala3375Thr; replaces alanine 3375 with threonine.
Molecular consequence: missense variant.
Genome position (GRCh38, 1-based): chr7:103,483,711, C>T on the plus strand (G>A on the coding strand, the complement: RELN is on the minus strand). VCF-style: chr7-103483711-C-T. GRCh37 (hg19) VCF-style: chr7-103124158-C-T.
Other names: c.10123G>A, p.Ala3375Thr (NM_173054.3); short protein forms A3375T.
Identifiers: ClinVar variation 963705 (VCV000963705.9), dbSNP rs759744782, ClinGen allele CA4420046.

ClinVar aggregate classification (germline): Uncertain significance (1 of 4 stars; one submission).

Conditions:
Norman-Roberts syndrome (LIS2). Also called: Lissencephaly 2 (Norman-Roberts type). Identifiers: Orphanet 89844, MedGen C0796089, MONDO:0009760, OMIM 257320.
Familial temporal lobe epilepsy 7. Identifiers: Orphanet 101046, MedGen C4225327, MONDO:0014639, OMIM 616436.

Allele frequency attached by ClinVar (database versions not stated): gnomAD 0.00001; gnomAD exomes 0.00001 and 0.00002; TOPMed 0.00001; ExAC 0.00002.
gnomAD v4.1: 14 of 1,613,994 alleles (0.00087%); highest among the groups gnomAD compares: South Asian, 0.0033%; no homozygotes.

Submission:

Labcorp Genetics (formerly Invitae), Labcorp
Classification: Uncertain significance for Familial temporal lobe epilepsy 7; Norman-Roberts syndrome. Last evaluated: 2022-08-16. Review status: criteria provided, single submitter. Criteria: Invitae Variant Classification Sherloc (09022015). Collection method: clinical testing. Allele origin: germline.
Comment: In summary, the available evidence is currently insufficient to determine the role of this variant in disease. Therefore, it has been classified as a Variant of Uncertain Significance. Algorithms developed to predict the effect of missense changes on protein structure and function are either unavailable or do not agree on the potential impact of this missense change (SIFT: "Deleterious"; PolyPhen-2: "Possibly Damaging"; Align-GVGD: "Class C0"). ClinVar contains an entry for this variant (Variation ID: 963705). This missense change has been observed in individual(s) with neurodevelopmental disorders (PMID: 33004838). This variant is present in population databases (rs759744782, gnomAD 0.004%). This sequence change replaces alanine, which is neutral and non-polar, with threonine, which is neutral and polar, at codon 3375 of the RELN protein (p.Ala3375Thr).

Literature cited by the submitters: PubMed 33004838.